The following is an entry in ClinVar:

ClinVar aggregate classification (germline): Uncertain significance (1 of 4 stars; one submission).

gnomAD v4.1: 1 of 1,614,188 alleles (0.000062%); highest among the groups gnomAD compares: South Asian, 0.0011%; no homozygotes.

Submission:

Labcorp Genetics (formerly Invitae), Labcorp
Classification: Uncertain significance. Last evaluated: 2023-08-10. Review status: criteria provided, single submitter. Criteria: Invitae Variant Classification Sherloc (09022015). Collection method: clinical testing. Allele origin: germline.
Comment: This variant has not been reported in the literature in individuals affected with ADNP-related conditions. In summary, the available evidence is currently insufficient to determine the role of this variant in disease. Therefore, it has been classified as a Variant of Uncertain Significance. Experimental studies and prediction algorithms are not available or were not evaluated, and the effect of this variant on mRNA splicing is currently unknown. ClinVar contains an entry for this variant (Variation ID: 2095298). This variant is present in population databases (no rsID available, gnomAD 0.007%). This sequence change affects codon 574 of the ADNP mRNA. It is a 'silent' change, meaning that it does not change the encoded amino acid sequence of the ADNP protein.

NM_001282531.3(ADNP):c.1722C>T (p.Ala574=)

Gene: ADNP (activity dependent neuroprotector homeobox; minus strand). Cytogenetic location: 20q13.13.
Variant type: single nucleotide variant.
Coding change: c.1722C>T on transcript NM_001282531.3 (MANE Select); coding-DNA position 1722, C replaced by T.
Protein change: p.Ala574=; no amino-acid change (alanine 574 retained).
Molecular consequence: synonymous variant.
Genome position (GRCh38, 1-based): chr20:50,892,992, G>A on the plus strand (C>T on the coding strand, the complement: ADNP is on the minus strand). VCF-style: chr20-50892992-G-A. GRCh37 (hg19) VCF-style: chr20-49509529-G-A.
Other names: c.1722C>T, p.Ala574= (NM_001282532.2, NM_001347511.2, NM_015339.5 and 1 more transcripts).
Identifiers: ClinVar variation 2095298 (VCV002095298.4), dbSNP rs1333941378, ClinGen allele CA511021587.